The following is an entry in ClinVar:

ClinVar aggregate classification (germline): Uncertain significance (1 of 4 stars; one submission).

Submission:

GeneDx
Classification: Uncertain significance. Last evaluated: 2025-07-24. Review status: criteria provided, single submitter. Criteria: GeneDx Variant Classification Process June 2021. Collection method: clinical testing. Allele origin: germline. Affected: yes.
Comment: Not observed at significant frequency in large population cohorts (gnomAD); In silico analysis supports that this missense variant has a deleterious effect on protein structure/function; Has not been previously published as pathogenic or benign to our knowledge

NM_015001.3(SPEN):c.362C>T (p.Ser121Leu)

Gene: SPEN (spen family transcriptional repressor; plus strand). Cytogenetic location: 1p36.21.
Variant type: single nucleotide variant.
Coding change: c.362C>T on transcript NM_015001.3 (MANE Select); coding-DNA position 362, C replaced by T.
Protein change: p.Ser121Leu; replaces serine 121 with leucine.
Molecular consequence: missense variant.
Genome position (GRCh38, 1-based): chr1:15,873,094, C>T. VCF-style: chr1-15873094-C-T. GRCh37 (hg19) VCF-style: chr1-16199589-C-T.
Other names: short protein forms S121L.
Identifiers: ClinVar variation 4686914 (VCV004686914.1).